The following is an entry in ClinVar:

NM_000350.3(ABCA4):c.3806T>A (p.Leu1269Gln)

Genes: ABCA4 (ATP binding cassette subfamily A member 4; minus strand), LOC126805794 (BRD4-independent group 4 enhancer GRCh37_chr1:94502188-94503387; plus strand). Cytogenetic location: 1p22.1.
Variant type: single nucleotide variant.
Coding change: c.3806T>A on transcript NM_000350.3 (MANE Select); coding-DNA position 3806, T replaced by A.
Protein change: p.Leu1269Gln; replaces leucine 1269 with glutamine.
Molecular consequence: missense variant.
Genome position (GRCh38, 1-based): chr1:94,037,152, A>T on the plus strand (T>A on the coding strand, the complement: ABCA4 is on the minus strand). VCF-style: chr1-94037152-A-T. GRCh37 (hg19) VCF-style: chr1-94502708-A-T.
Other names: c.3584T>A, p.Leu1195Gln (NM_001425324.1); short protein forms L1269Q, L1195Q.
Identifiers: ClinVar variation 2022665 (VCV002022665.4), dbSNP rs1660360960, ClinGen allele CA341288666.

ClinVar aggregate classification (germline): Pathogenic (1 of 4 stars; one submission).

Submission:

Labcorp Genetics (formerly Invitae), Labcorp
Classification: Pathogenic. Last evaluated: 2022-10-24. Review status: criteria provided, single submitter. Criteria: Invitae Variant Classification Sherloc (09022015). Collection method: clinical testing. Allele origin: germline.
Comment: This sequence change replaces leucine, which is neutral and non-polar, with glutamine, which is neutral and polar, at codon 1269 of the ABCA4 protein (p.Leu1269Gln). For these reasons, this variant has been classified as Pathogenic. This variant disrupts the p.Leu1269 amino acid residue in ABCA4. Other variant(s) that disrupt this residue have been determined to be pathogenic (PMID: 29178665). This suggests that this residue is clinically significant, and that variants that disrupt this residue are likely to be disease-causing. Advanced modeling of protein sequence and biophysical properties (such as structural, functional, and spatial information, amino acid conservation, physicochemical variation, residue mobility, and thermodynamic stability) performed at Invitae indicates that this missense variant is expected to disrupt ABCA4 protein function. This missense change has been observed in individual(s) with Stargardt disease (Invitae). This variant is not present in population databases (gnomAD no frequency).

Literature cited by the submitters: PubMed 29178665.